The following is an entry in ClinVar:

ClinVar aggregate classification (germline): Uncertain significance (1 of 4 stars; one submission).

Submission:

GeneDx
Classification: Uncertain significance. Last evaluated: 2021-05-17. Review status: criteria provided, single submitter. Criteria: GeneDx Variant Classification Process June 2021. Collection method: clinical testing. Allele origin: germline. Affected: yes.
Comment: Not observed in large population cohorts (Lek 2016); In silico analysis supports that this missense variant does not alter protein structure/function; Has not been previously published as pathogenic or benign to our knowledge; Also known as 7465A>C

NM_000059.4(BRCA2):c.7237A>C (p.Lys2413Gln)

Gene: BRCA2 (BRCA2 DNA repair associated; plus strand). Cytogenetic location: 13q13.1.
Variant type: single nucleotide variant.
Coding change: c.7237A>C on transcript NM_000059.4 (MANE Select); coding-DNA position 7237, A replaced by C.
Protein change: p.Lys2413Gln; replaces lysine 2413 with glutamine.
Molecular consequence: missense variant.
Genome position (GRCh38, 1-based): chr13:32,355,090, A>C. VCF-style: chr13-32355090-A-C. GRCh37 (hg19) VCF-style: chr13-32929227-A-C.
Other names: short protein forms K2413Q.
Identifiers: ClinVar variation 1326172 (VCV001326172.2), dbSNP rs1555286056, ClinGen allele CA387740316.